The following is an entry in ClinVar:

NM_001232.4(CASQ2):c.905G>C (p.Ser302Thr)

Gene: CASQ2 (calsequestrin 2; minus strand). Cytogenetic location: 1p13.1.
Variant type: single nucleotide variant.
Coding change: c.905G>C on transcript NM_001232.4 (MANE Select); coding-DNA position 905, G replaced by C.
Protein change: p.Ser302Thr; replaces serine 302 with threonine.
Molecular consequence: missense variant.
Genome position (GRCh38, 1-based): chr1:115,705,226, C>G on the plus strand (G>C on the coding strand, the complement: CASQ2 is on the minus strand). VCF-style: chr1-115705226-C-G. GRCh37 (hg19) VCF-style: chr1-116247847-C-G.
Other names: short protein forms S302T.
Identifiers: ClinVar variation 1348556 (VCV001348556.4), dbSNP rs979113189, ClinGen allele CA29614647.

ClinVar aggregate classification (germline): Uncertain significance (1 of 4 stars; one submission).

Conditions:
Catecholaminergic polymorphic ventricular tachycardia 1. Also called: VENTRICULAR TACHYCARDIA, CATECHOLAMINERGIC POLYMORPHIC, 1, WITH OR WITHOUT ATRIAL DYSFUNCTION AND/OR DILATED CARDIOMYOPATHY; VENTRICULAR TACHYCARDIA, STRESS-INDUCED POLYMORPHIC 1; RYR2-Related Catecholaminergic Polymorphic Ventricular Tachycardia. Identifiers: Orphanet 3286, MedGen C1631597, MONDO:0011484, OMIM 604772.

Submission:

Labcorp Genetics (formerly Invitae), Labcorp
Classification: Uncertain significance for Catecholaminergic polymorphic ventricular tachycardia 1. Last evaluated: 2022-09-01. Review status: criteria provided, single submitter. Criteria: Invitae Variant Classification Sherloc (09022015). Collection method: clinical testing. Allele origin: germline.
Comment: This sequence change replaces serine, which is neutral and polar, with threonine, which is neutral and polar, at codon 302 of the CASQ2 protein (p.Ser302Thr). This variant is not present in population databases (gnomAD no frequency). This variant has not been reported in the literature in individuals affected with CASQ2-related conditions. ClinVar contains an entry for this variant (Variation ID: 1348556). Algorithms developed to predict the effect of missense changes on protein structure and function are either unavailable or do not agree on the potential impact of this missense change (SIFT: "Tolerated"; PolyPhen-2: "Possibly Damaging"; Align-GVGD: "Class C0"). In summary, the available evidence is currently insufficient to determine the role of this variant in disease. Therefore, it has been classified as a Variant of Uncertain Significance.